The following is an entry in ClinVar:

NM_177438.3(DICER1):c.2987+1G>C

Gene: DICER1 (dicer 1, ribonuclease III; minus strand). Cytogenetic location: 14q32.13.
Variant type: single nucleotide variant.
Coding change: c.2987+1G>C on transcript NM_177438.3 (MANE Select); the canonical splice donor site of the intron after coding-DNA position 2987, G replaced by C.
Molecular consequence: splice donor variant. On other transcripts: non-coding transcript variant (1).
Genome position (GRCh38, 1-based): chr14:95,106,040, C>G on the plus strand (G>C on the coding strand, the complement: DICER1 is on the minus strand). VCF-style: chr14-95106040-C-G. GRCh37 (hg19) VCF-style: chr14-95572377-C-G.
Other names: c.2987+1G>C (NM_001291628.2, NM_030621.4, NM_001395677.1 and 12 more transcripts); c.2582+1G>C (NM_001395690.1, NM_001395687.1, NM_001395689.1 and 2 more transcripts); c.2705+1G>C (NM_001395686.1); c.2420+1G>C (NM_001395691.1); c.1304+1G>C (NM_001395697.1).
Identifiers: ClinVar variation 4996171 (VCV004996171.1).
Genomic context (GRCh38, chr14:95,106,040, plus strand): 5'-TAGTGATGTCTGGTAAGAATCCCTCAAGTGCAATCCAAGTGTCATCTCTGAAGCCCCTTA[C>G]CTTGAAGATGTGTGGTCCACATCCAGCAGTGGCTGGTTGAGATTGGTTAGGTCAAGGTTG-3'

ClinVar aggregate classification (germline): Likely pathogenic (1 of 4 stars; one submission).

Conditions:
DICER1-related disorder. Also called: DICER1-related condition.

Submission:

PreventionGenetics, part of Exact Sciences
Classification: Likely pathogenic for DICER1-related condition. Last evaluated: 2026-05-17. Review status: criteria provided, single submitter. Criteria: ACMG Guidelines, 2015. Collection method: clinical testing. Allele origin: germline.
Comment: The DICER1 c.2987+1G>C variant is predicted to disrupt the GT donor site and interfere with normal splicing. To our knowledge, this variant has not been reported in the literature or in a large population database (gnomAD), indicating this variant is rare. At the time of reporting, this variant was not present in ClinVar. A similar variant at this nucleotide (c.2987+1G>A) has conflicting interpretations in ClinVar ranging from pathogenic to uncertain (Variation ID: 543639).Variants that disrupt the consensus splice donor site in DICER1 are expected to be pathogenic. This variant is interpreted as likely pathogenic.